The following is an entry in ClinVar:

ClinVar aggregate classification (germline): Uncertain significance (1 of 4 stars; one submission).

Conditions:
Charcot-Marie-Tooth disease axonal type 2F (CMT2F). Also called: CHARCOT-MARIE-TOOTH DISEASE, NEURONAL, TYPE 2F; Charcot-Marie-Tooth Neuropathy Type 2F. Identifiers: Orphanet 99940, MedGen C1847823, MONDO:0011687, OMIM 606595.

Allele frequency attached by ClinVar (database versions not stated): gnomAD exomes below 0.00001.
gnomAD v4.1: 1 of 1,583,204 alleles (0.000063%); highest among the groups gnomAD compares: Non-Finnish European, 0.000085%; no homozygotes.

Submission:

Labcorp Genetics (formerly Invitae), Labcorp
Classification: Uncertain significance for Charcot-Marie-Tooth disease axonal type 2F. Last evaluated: 2022-09-19. Review status: criteria provided, single submitter. Criteria: Invitae Variant Classification Sherloc (09022015). Collection method: clinical testing. Allele origin: germline.
Comment: In summary, the available evidence is currently insufficient to determine the role of this variant in disease. Therefore, it has been classified as a Variant of Uncertain Significance. Algorithms developed to predict the effect of missense changes on protein structure and function (SIFT, PolyPhen-2, Align-GVGD) all suggest that this variant is likely to be disruptive. This variant has not been reported in the literature in individuals affected with HSPB1-related conditions. This variant is not present in population databases (gnomAD no frequency). This sequence change replaces proline, which is neutral and non-polar, with arginine, which is basic and polar, at codon 52 of the HSPB1 protein (p.Pro52Arg).

NM_001540.5(HSPB1):c.155C>G (p.Pro52Arg)

Gene: HSPB1 (heat shock protein family B (small) member 1; plus strand). Cytogenetic location: 7q11.23.
Variant type: single nucleotide variant.
Coding change: c.155C>G on transcript NM_001540.5 (MANE Select); coding-DNA position 155, C replaced by G.
Protein change: p.Pro52Arg; replaces proline 52 with arginine.
Molecular consequence: missense variant.
Genome position (GRCh38, 1-based): chr7:76,302,867, C>G. VCF-style: chr7-76302867-C-G. GRCh37 (hg19) VCF-style: chr7-75932184-C-G.
Other names: short protein forms P52R.
Identifiers: ClinVar variation 1719753 (VCV001719753.5), dbSNP rs1448517269, ClinGen allele CA367763019.